The following is an entry in ClinVar:

NM_001142864.4(PIEZO1):c.6879C>T (p.Tyr2293=)

Gene: PIEZO1 (piezo type mechanosensitive ion channel component 1 (Er blood group); minus strand). Cytogenetic location: 16q24.3.
Variant type: single nucleotide variant.
Coding change: c.6879C>T on transcript NM_001142864.4 (MANE Select); coding-DNA position 6879, C replaced by T.
Protein change: p.Tyr2293=; no amino-acid change (tyrosine 2293 retained).
Molecular consequence: synonymous variant.
Genome position (GRCh38, 1-based): chr16:88,716,606, G>A on the plus strand (C>T on the coding strand, the complement: PIEZO1 is on the minus strand). VCF-style: chr16-88716606-G-A. GRCh37 (hg19) VCF-style: chr16-88783014-G-A.
Identifiers: ClinVar variation 793360 (VCV000793360.8), dbSNP rs558982192, ClinGen allele CA8231468.

ClinVar aggregate classification (germline): Benign/Likely benign. Review status: criteria provided, multiple submitters, no conflicts (2 of 4 stars). 3 submissions from 3 submitters: Benign (1); Likely benign (1). 1 of the submissions does not count toward it. Last evaluated 2024-12-31.

Conditions:
PIEZO1-related disorder. Also called: PIEZO1-Related Disorders; PIEZO1-related condition.

Allele frequency attached by ClinVar (database versions not stated): gnomAD 0.00014 and 0.00002; 1000 Genomes Project 30x 0.00016; 1000 Genomes Project 0.00020; TOPMed 0.00003; gnomAD exomes 0.00056; ExAC 0.00183.

Submissions (3):

Labcorp Genetics (formerly Invitae), Labcorp
Classification: Benign. Last evaluated: 2024-12-31. Review status: criteria provided, single submitter. Criteria: Invitae Variant Classification Sherloc (09022015). Collection method: clinical testing. Allele origin: germline.

Blueprint Genetics
Classification: Likely benign. Last evaluated: 2024-11-04. Review status: criteria provided, single submitter. Criteria: ACMG Guidelines, 2015. Collection method: clinical testing. Allele origin: germline.

PreventionGenetics, part of Exact Sciences
Classification: Likely benign for PIEZO1-related condition. Last evaluated: 2020-04-02. Review status: no assertion criteria provided. Collection method: clinical testing. Allele origin: germline. Not counted in ClinVar's aggregate classification.
Comment: This variant is classified as likely benign based on ACMG/AMP sequence variant interpretation guidelines (Richards et al. 2015 PMID: 25741868, with internal and published modifications).